The following is an entry in ClinVar:

NM_002206.3(ITGA7):c.3322C>T (p.Arg1108Trp)

Gene: ITGA7 (integrin subunit alpha 7; minus strand). Cytogenetic location: 12q13.2.
Variant type: single nucleotide variant.
Coding change: c.3322C>T on transcript NM_002206.3 (MANE Select); coding-DNA position 3322, C replaced by T.
Protein change: p.Arg1108Trp; replaces arginine 1108 with tryptophan.
Molecular consequence: missense variant.
Genome position (GRCh38, 1-based): chr12:55,685,150, G>A on the plus strand (C>T on the coding strand, the complement: ITGA7 is on the minus strand). VCF-style: chr12-55685150-G-A. GRCh37 (hg19) VCF-style: chr12-56078934-G-A.
Other names: c.3334C>T, p.Arg1112Trp (NM_001144996.2); c.3043C>T, p.Arg1015Trp (NM_001144997.2); c.2995C>T, p.Arg999Trp (NM_001367993.1); c.1978C>T, p.Arg660Trp (NM_001367994.1); c.3304C>T, p.Arg1102Trp (NM_001374465.1); c.3454C>T, p.Arg1152Trp (NM_001410977.1); c.3316C>T, p.Arg1106Trp (NM_001414029.1); c.3247C>T, p.Arg1083Trp (NM_001414030.1); and 5 more; short protein forms R660W, R1112W, R1015W, R1108W, R999W, R1102W, R1152W, R1068W.
Identifiers: ClinVar variation 657949 (VCV000657949.7), dbSNP rs775801045, ClinGen allele CA6615245.

ClinVar aggregate classification (germline): Conflicting classifications of pathogenicity. Review status: criteria provided, conflicting classifications (1 of 4 stars). 3 submissions from 3 submitters: Uncertain significance (2); Likely benign (1). Last evaluated 2024-09-20.

Conditions:
Congenital muscular dystrophy due to integrin alpha-7 deficiency. Also called: MYOPATHY, CONGENITAL, DUE TO INTEGRIN ALPHA-7 DEFICIENCY; Congenital muscular dystrophy with integrin alpha-7 deficiency; Muscular dystrophy, congenital, due to ITGA7 deficiency. Identifiers: Orphanet 34520, MedGen C2750786, MONDO:0013177, OMIM 613204.

Allele frequency attached by ClinVar (database versions not stated): ExAC 0.00001; gnomAD 0.00001; gnomAD exomes 0.00003 and 0.00004; TOPMed 0.00006.
gnomAD v4.1: 45 of 1,613,604 alleles (0.0028%); highest among the groups gnomAD compares: Admixed American, 0.02%; no homozygotes.

Submissions (3):

3billion
Classification: Likely benign for Congenital muscular dystrophy due to integrin alpha-7 deficiency. Last evaluated: 2024-09-20. Review status: criteria provided, single submitter. Criteria: ACMG Guidelines, 2015. Collection method: clinical testing. Allele origin: germline. Affected: no.
Comment: The homozygous variant was found in patients diagnosed with another variant in a different gene, with no symptoms related to the gene containing the homozygous variant.

Ambry Genetics
Classification: Uncertain significance. Last evaluated: 2024-01-03. Review status: criteria provided, single submitter. Criteria: Ambry Variant Classification Scheme 2023. Collection method: clinical testing. Allele origin: germline.

Labcorp Genetics (formerly Invitae), Labcorp
Classification: Uncertain significance for Congenital muscular dystrophy due to integrin alpha-7 deficiency. Last evaluated: 2022-07-05. Review status: criteria provided, single submitter. Criteria: Invitae Variant Classification Sherloc (09022015). Collection method: clinical testing. Allele origin: germline.
Comment: This sequence change replaces arginine, which is basic and polar, with tryptophan, which is neutral and slightly polar, at codon 1108 of the ITGA7 protein (p.Arg1108Trp). This variant is present in population databases (rs775801045, gnomAD 0.02%). This variant has not been reported in the literature in individuals affected with ITGA7-related conditions. ClinVar contains an entry for this variant (Variation ID: 657949). Algorithms developed to predict the effect of missense changes on protein structure and function output the following: SIFT: "Tolerated"; PolyPhen-2: "Benign"; Align-GVGD: "Class C0". The tryptophan amino acid residue is found in multiple mammalian species, which suggests that this missense change does not adversely affect protein function. In summary, the available evidence is currently insufficient to determine the role of this variant in disease. Therefore, it has been classified as a Variant of Uncertain Significance.